The following is an entry in ClinVar:

NM_001244008.2(KIF1A):c.4927G>A (p.Asp1643Asn)

Gene: KIF1A (kinesin family member 1A; minus strand). Cytogenetic location: 2q37.3.
Variant type: single nucleotide variant.
Coding change: c.4927G>A on transcript NM_001244008.2 (MANE Select); coding-DNA position 4927, G replaced by A.
Protein change: p.Asp1643Asn; replaces aspartic acid 1643 with asparagine.
Molecular consequence: missense variant.
Genome position (GRCh38, 1-based): chr2:240,719,868, C>T on the plus strand (G>A on the coding strand, the complement: KIF1A is on the minus strand). VCF-style: chr2-240719868-C-T. GRCh37 (hg19) VCF-style: chr2-241659285-C-T.
Other names: c.4651G>A, p.Asp1551Asn (NM_001320705.2, NM_001379649.1); c.4678G>A, p.Asp1560Asn (NM_001330289.2); c.4726G>A, p.Asp1576Asn (NM_001330290.2, NM_001379648.1); c.5002G>A, p.Asp1668Asn (NM_001379631.1); c.4903G>A, p.Asp1635Asn (NM_001379632.1); c.4900G>A, p.Asp1634Asn (NM_001379633.1, NM_001379645.1); c.4753G>A, p.Asp1585Asn (NM_001379634.1); c.4750G>A, p.Asp1584Asn (NM_001379635.1, NM_001379646.1); and 8 more; short protein forms D1542N, D1643N, D1576N, D1551N, D1560N, D1541N, D1550N, D1559N.
Identifiers: ClinVar variation 211292 (VCV000211292.71), dbSNP rs200141437, ClinGen allele CA209849.

ClinVar aggregate classification (germline): Conflicting classifications of pathogenicity. Review status: criteria provided, conflicting classifications (1 of 4 stars). 14 submissions from 14 submitters: Uncertain significance (9); Likely benign (5). Last evaluated 2026-02-04.

Conditions:
Neuropathy, hereditary sensory, type 2C. Also called: Hereditary sensory and autonomic neuropathy type IIC; KIF1A-Related HSAN2 (HSAN2C). Identifiers: Orphanet 970, MedGen C3280168, MONDO:0013634, OMIM 614213.
Neuropathy, hereditary sensory and autonomic, type 2A (HSAN2A). Also called: WNK1-Related HSAN2 (HSAN2A); ACROOSTEOLYSIS, GIACCAI TYPE; ACROOSTEOLYSIS, NEUROGENIC; HSAN IIA; MORVAN DISEASE; NEUROPATHY, CONGENITAL SENSORY. Identifiers: Orphanet 970, MedGen C2752089, MONDO:0024309, OMIM 201300.
Hereditary spastic paraplegia 30. Identifiers: Orphanet 101010, MedGen C5235139, MONDO:0012476.
Intellectual disability, autosomal dominant 9 (NESCAVS). Also called: NESCAV SYNDROME; KIF1A-Related Neurodevelopmental Disorder. Identifiers: Orphanet 662367, MedGen C5393830, MONDO:0013656, OMIM 614255.
KIF1A-related disorder. Also called: KIF1A-related disorders; KIF1A-related condition.
Inborn genetic diseases. Identifiers: MedGen C0950123, MeSH D030342.

Allele frequency attached by ClinVar (database versions not stated): ESP Exome Variant Server 0.00024; gnomAD 0.00026 and 0.00031; TOPMed 0.00034; gnomAD exomes 0.00036 and 0.00047; ExAC 0.00039; 1000 Genomes Project 0.00040; 1000 Genomes Project 30x 0.00047.
gnomAD v4.1: 740 of 1,611,898 alleles (0.046%); highest among the groups gnomAD compares: Middle Eastern, 0.32%; no homozygotes.

Submissions (14):

PreventionGenetics, part of Exact Sciences
Classification: Uncertain significance for KIF1A-related condition. Last evaluated: 2026-02-04. Review status: criteria provided, single submitter. Criteria: ACMG Guidelines, 2015. Collection method: clinical testing. Allele origin: germline.
Comment: The KIF1A c.4927G>A variant is predicted to result in the amino acid substitution p.Asp1643Asn. This variant was reported with a second KIF1A variant in a patient with spastic paraplegia (D'Amore et al. 2018. PubMed ID: 30564185). This variant is reported in 0.052% of alleles in individuals of South Asian descent in gnomAD. Although we suspect that this variant may be benign, at this time, the clinical significance of this variant is uncertain due to the absence of conclusive functional and genetic evidence.

Labcorp Genetics (formerly Invitae), Labcorp
Classification: Likely benign for Hereditary spastic paraplegia 30; Neuropathy, hereditary sensory, type 2C; Intellectual disability, autosomal dominant 9. Last evaluated: 2026-01-26. Review status: criteria provided, single submitter. Criteria: Invitae Variant Classification Sherloc (09022015). Collection method: clinical testing. Allele origin: germline.

Ambry Genetics
Classification: Likely benign for Inborn genetic diseases. Last evaluated: 2025-07-24. Review status: criteria provided, single submitter. Criteria: Ambry Variant Classification Scheme 2023. Collection method: clinical testing. Allele origin: germline.

ARUP Laboratories, Molecular Genetics and Genomics, ARUP Laboratories
Classification: Likely benign. Last evaluated: 2025-05-22. Review status: criteria provided, single submitter. Criteria: ARUP Molecular Germline Variant Investigation Process 2024. Collection method: clinical testing. Allele origin: germline.

CeGaT Center for Human Genetics Tuebingen
Classification: Uncertain significance. Last evaluated: 2025-05-01. Review status: criteria provided, single submitter. Criteria: CeGaT Center For Human Genetics Tuebingen Variant Classification Criteria Version 2. Collection method: clinical testing. Allele origin: germline. Affected: yes. Observed: 5 variant alleles.
Comment: KIF1A: PM2

Women's Health and Genetics/Laboratory Corporation of America, LabCorp
Classification: Likely benign. Last evaluated: 2025-03-19. Review status: criteria provided, single submitter. Criteria: LabCorp Variant Classification Summary - May 2015. Collection method: clinical testing. Allele origin: germline.
Comment: Variant summary: KIF1A c.4624G>A (p.Asp1542Asn) results in a conservative amino acid change in the encoded protein sequence. Four of five in-silico tools predict a benign effect of the variant on protein function. The variant allele was found at a frequency of 0.00036 in 245806 control chromosomes (gnomAD). c.4624G>A has been reported in the literature in an individual affected with Hereditary Spastic Paraplegia without strong evidence of causality (D'Amore_2018). This report does not provide unequivocal conclusions about association of the variant with Hereditary Spastic Paraplegia 30. To our knowledge, no experimental evidence demonstrating an impact on protein function has been reported. The following publication haz been ascertained in the context of this evaluation (PMID: 30564185). ClinVar contains an entry for this variant (Variation ID: 211292). Based on the evidence outlined above, the variant was classified as likely benign.

Blueprint Genetics
Classification: Uncertain significance. Last evaluated: 2024-11-20. Review status: criteria provided, single submitter. Criteria: ACMG Guidelines, 2015. Collection method: clinical testing. Allele origin: germline.

GeneDx
Classification: Likely benign. Last evaluated: 2020-11-09. Review status: criteria provided, single submitter. Criteria: GeneDx Variant Classification Process June 2021. Collection method: clinical testing. Allele origin: germline. Affected: yes.
Comment: This variant is associated with the following publications: (PMID: 30564185)

Revvity Omics, Revvity
Classification: Uncertain significance. Last evaluated: 2019-05-20. Review status: criteria provided, single submitter. Criteria: ACMG Guidelines, 2015. Collection method: clinical testing. Allele origin: germline.

Institute of Human Genetics, University of Leipzig Medical Center
Classification: Uncertain significance for Intellectual disability, autosomal dominant 9. Last evaluated: 2019-01-01. Review status: criteria provided, single submitter. Criteria: ACMG Guidelines, 2015. Collection method: clinical testing. Allele origin: unknown. Affected: yes.

Fulgent Genetics
Classification: Uncertain significance for Neuropathy, hereditary sensory and autonomic, type 2A; Spastic paraplegia 30A, autosomal dominant; Neuropathy, hereditary sensory, type 2C; Intellectual disability, autosomal dominant 9. Last evaluated: 2018-10-31. Review status: criteria provided, single submitter. Criteria: ACMG Guidelines, 2015. Collection method: clinical testing. Allele origin: unknown.

Athena Diagnostics
Classification: Uncertain significance. Last evaluated: 2018-09-28. Review status: criteria provided, single submitter. Criteria: Athena Diagnostics Criteria. Collection method: clinical testing. Allele origin: germline.

Center for Pediatric Genomic Medicine, Children's Mercy Hospital and Clinics
Classification: Uncertain significance. Last evaluated: 2017-08-01. Review status: criteria provided, single submitter. Criteria: ACMG Guidelines, 2015. Collection method: clinical testing. Allele origin: germline.

Genetic Services Laboratory, University of Chicago
Classification: Uncertain significance. Last evaluated: 2015-05-15. Review status: criteria provided, single submitter. Criteria: ACMG Guidelines, 2015. Collection method: clinical testing. Allele origin: germline.

Literature cited by the submitters: PubMed 28106320 (cited by Ambry Genetics); PubMed 30564185 (cited by Ambry Genetics and Women's Health and Genetics/Laboratory Corporation of America, LabCorp); PubMed 36413997 (cited by Ambry Genetics).